The following is an entry in ClinVar:

NM_004304.5(ALK):c.205C>T (p.Arg69Trp)

Gene: ALK (ALK receptor tyrosine kinase; minus strand). Cytogenetic location: 2p23.1.
Variant type: single nucleotide variant.
Coding change: c.205C>T on transcript NM_004304.5 (MANE Select); coding-DNA position 205, C replaced by T.
Protein change: p.Arg69Trp; replaces arginine 69 with tryptophan.
Molecular consequence: missense variant.
Genome position (GRCh38, 1-based): chr2:29,920,455, G>A on the plus strand (C>T on the coding strand, the complement: ALK is on the minus strand). VCF-style: chr2-29920455-G-A. GRCh37 (hg19) VCF-style: chr2-30143321-G-A.
Other names: short protein forms R69W.
Identifiers: ClinVar variation 953366 (VCV000953366.10), dbSNP rs1052259770, ClinGen allele CA45004778.

ClinVar aggregate classification (germline): Uncertain significance. Review status: criteria provided, multiple submitters, no conflicts (2 of 4 stars). 2 submissions from 2 submitters: Uncertain significance (2). Last evaluated 2024-05-02.

Conditions:
Neuroblastoma, susceptibility to, 3. Also called: ALK-Related Neuroblastic Tumor Susceptibility. Identifiers: Orphanet 635, MedGen C2751681, MONDO:0013083, OMIM 613014.
Hereditary cancer-predisposing syndrome. Also called: Hereditary neoplastic syndrome; Tumor predisposition; Neoplastic Syndromes, Hereditary; Hereditary Cancer Syndrome. Identifiers: Orphanet 140162, MedGen C0027672, MeSH D009386, MONDO:0015356.

Allele frequency attached by ClinVar (database versions not stated): TOPMed 0.00001; gnomAD exomes below 0.00001.

Submissions (2):

Ambry Genetics
Classification: Uncertain significance for Hereditary cancer-predisposing syndrome. Last evaluated: 2024-05-02. Review status: criteria provided, single submitter. Criteria: Ambry Variant Classification Scheme 2023. Collection method: clinical testing. Allele origin: germline.
Comment: The p.R69W variant (also known as c.205C>T), located in coding exon 1 of the ALK gene, results from a C to T substitution at nucleotide position 205. The arginine at codon 69 is replaced by tryptophan, an amino acid with dissimilar properties. This amino acid position is conserved. In addition, the in silico prediction for this alteration is inconclusive. Based on the available evidence, the clinical significance of this variant remains unclear.

Labcorp Genetics (formerly Invitae), Labcorp
Classification: Uncertain significance for Neuroblastoma, susceptibility to, 3. Last evaluated: 2024-01-31. Review status: criteria provided, single submitter. Criteria: Invitae Variant Classification Sherloc (09022015). Collection method: clinical testing. Allele origin: germline.
Comment: This sequence change replaces arginine, which is basic and polar, with tryptophan, which is neutral and slightly polar, at codon 69 of the ALK protein (p.Arg69Trp). This variant is not present in population databases (gnomAD no frequency). This variant has not been reported in the literature in individuals affected with ALK-related conditions. ClinVar contains an entry for this variant (Variation ID: 953366). An algorithm developed to predict the effect of missense changes on protein structure and function (PolyPhen-2) suggests that this variant is likely to be disruptive. In summary, the available evidence is currently insufficient to determine the role of this variant in disease. Therefore, it has been classified as a Variant of Uncertain Significance.